The following is an entry in ClinVar:

NM_024079.5(ALG8):c.251A>G (p.Tyr84Cys)

Gene: ALG8 (ALG8 alpha-1,3-glucosyltransferase; minus strand). Cytogenetic location: 11q14.1.
Variant type: single nucleotide variant.
Coding change: c.251A>G on transcript NM_024079.5 (MANE Select); coding-DNA position 251, A replaced by G.
Protein change: p.Tyr84Cys; replaces tyrosine 84 with cysteine.
Molecular consequence: missense variant.
Genome position (GRCh38, 1-based): chr11:78,124,138, T>C on the plus strand (A>G on the coding strand, the complement: ALG8 is on the minus strand). VCF-style: chr11-78124138-T-C. GRCh37 (hg19) VCF-style: chr11-77835184-T-C.
Other names: c.251A>G, p.Tyr84Cys (NM_001007027.3); short protein forms Y84C.
Identifiers: ClinVar variation 306226 (VCV000306226.25), dbSNP rs61995921, ClinGen allele CA6203545.

ClinVar aggregate classification (germline): Conflicting classifications of pathogenicity. Review status: criteria provided, conflicting classifications (1 of 4 stars). 6 submissions from 6 submitters: Uncertain significance (4); Likely benign (1). 1 of the submissions does not count toward it. Last evaluated 2025-12-20.

Conditions:
ALG8 congenital disorder of glycosylation. Also called: CONGENITAL DISORDER OF GLYCOSYLATION, TYPE Ih; CDG Ih; ALG8-CDG. Identifiers: Orphanet 79325, MedGen C2931002, MONDO:0011969, OMIM 608104.
ALG8-related disorder.

Allele frequency attached by ClinVar (database versions not stated): gnomAD exomes 0.00030 and 0.00012; 1000 Genomes Project 30x 0.00125; gnomAD 0.00094 and 0.00089; TOPMed 0.00119; ESP Exome Variant Server 0.00131; ExAC 0.00043; 1000 Genomes Project 0.00140.

Submissions (6):

Labcorp Genetics (formerly Invitae), Labcorp
Classification: Likely benign for ALG8 congenital disorder of glycosylation. Last evaluated: 2025-12-20. Review status: criteria provided, single submitter. Criteria: Invitae Variant Classification Sherloc (09022015). Collection method: clinical testing. Allele origin: germline.

GeneDx
Classification: Uncertain significance. Last evaluated: 2025-11-19. Review status: criteria provided, single submitter. Criteria: GeneDx Variant Classification Process June 2021. Collection method: clinical testing. Allele origin: germline.
Comment: In silico analysis supports that this missense variant has a deleterious effect on protein structure/function; Has not been previously published as pathogenic or benign to our knowledge

Revvity Omics, Revvity
Classification: Uncertain significance. Last evaluated: 2022-12-15. Review status: criteria provided, single submitter. Criteria: ACMG Guidelines, 2015. Collection method: clinical testing. Allele origin: germline.

Illumina Laboratory Services, Illumina
Classification: Uncertain significance for ALG8 congenital disorder of glycosylation. Last evaluated: 2018-01-12. Review status: criteria provided, single submitter. Criteria: ICSL Variant Classification Criteria 13 December 2019. Collection method: clinical testing. Allele origin: germline.

Mayo Clinic Laboratories, Mayo Clinic
Classification: Uncertain significance for ALG8 congenital disorder of glycosylation. Last evaluated: 2016-09-23. Review status: criteria provided, single submitter. Criteria: ACMG Guidelines, 2015. Collection method: clinical testing. Allele origin: maternal.

PreventionGenetics, part of Exact Sciences
Classification: Likely benign for ALG8-related condition. Last evaluated: 2023-12-13. Review status: no assertion criteria provided. Collection method: clinical testing. Allele origin: germline. Not counted in ClinVar's aggregate classification.
Comment: This variant is classified as likely benign based on ACMG/AMP sequence variant interpretation guidelines (Richards et al. 2015 PMID: 25741868, with internal and published modifications).